The following is an entry in ClinVar:

NM_001126121.2(SLC25A19):c.750G>A (p.Glu250=)

Gene: SLC25A19 (solute carrier family 25 member 19; minus strand). Cytogenetic location: 17q25.1.
Variant type: single nucleotide variant.
Coding change: c.750G>A on transcript NM_001126121.2 (MANE Select); coding-DNA position 750, G replaced by A.
Protein change: p.Glu250=; no amino-acid change (glutamic acid 250 retained).
Molecular consequence: synonymous variant.
Genome position (GRCh38, 1-based): chr17:75,277,377, C>T on the plus strand (G>A on the coding strand, the complement: SLC25A19 is on the minus strand). VCF-style: chr17-75277377-C-T. GRCh37 (hg19) VCF-style: chr17-73273458-C-T.
Other names: c.750G>A, p.Glu250= (NM_001126122.2, NM_021734.5).
Identifiers: ClinVar variation 130332 (VCV000130332.23), dbSNP rs147904037, ClinGen allele CA155225.
Genomic context (GRCh38, chr17:75,277,377, plus strand): 5'-GGGTCAGAGCTGTCTGCCTGGGAGTGAACGGCTCACCTGGCCAAAGGCAGCTCTGGCATG[C>T]TCAAACCCTCCAACCTGTAGCCGCTTCTTGAAGAGGTCCAGCGGATATGTCAGGGTCTTG-3'
Protein context (NP_001119593.1, residues 240-260): FKKRLQVGGF[Glu250=]HARAAFGQVR

ClinVar aggregate classification (germline): Conflicting classifications of pathogenicity. Review status: criteria provided, conflicting classifications (1 of 4 stars). 6 submissions from 6 submitters: Uncertain significance (1); Likely benign (3). 2 of the submissions do not count toward it. Last evaluated 2026-01-15.

Conditions:
SLC25A19-related disorder. Also called: SLC25A19-related condition.

Allele frequency attached by ClinVar (database versions not stated): gnomAD exomes 0.00008 and 0.00016; ExAC 0.00020; TOPMed 0.00037; ESP Exome Variant Server 0.00038; gnomAD 0.00039 and 0.00048; 1000 Genomes Project 30x 0.00250; 1000 Genomes Project 0.00280.
gnomAD v4.1: 209 of 1,613,890 alleles (0.013%); highest among the groups gnomAD compares: African/African-American, 0.21%; 4 homozygotes.

Submissions (6):

Labcorp Genetics (formerly Invitae), Labcorp
Classification: Likely benign. Last evaluated: 2026-01-15. Review status: criteria provided, single submitter. Criteria: Invitae Variant Classification Sherloc (09022015). Collection method: clinical testing. Allele origin: germline.

Blueprint Genetics
Classification: Likely benign. Last evaluated: 2024-10-18. Review status: criteria provided, single submitter. Criteria: ACMG Guidelines, 2015. Collection method: clinical testing. Allele origin: germline.

GeneDx
Classification: Likely benign. Last evaluated: 2018-06-18. Review status: criteria provided, single submitter. Criteria: GeneDx Variant Classification Process June 2021. Collection method: clinical testing. Allele origin: germline. Affected: yes.

Eurofins Ntd Llc (ga)
Classification: Uncertain significance. Last evaluated: 2016-02-12. Review status: criteria provided, single submitter. Criteria: EGL Classification Definitions 2015. Collection method: clinical testing. Allele origin: germline. Observed: 1 variant allele, 1 heterozygote.

PreventionGenetics, part of Exact Sciences
Classification: Likely benign for SLC25A19-related condition. Last evaluated: 2019-06-17. Review status: no assertion criteria provided. Collection method: clinical testing. Allele origin: germline. Not counted in ClinVar's aggregate classification.
Comment: This variant is classified as likely benign based on ACMG/AMP sequence variant interpretation guidelines (Richards et al. 2015 PMID: 25741868, with internal and published modifications).

Genetic Services Laboratory, University of Chicago
Classification: Likely benign for AllHighlyPenetrant. Review status: no assertion criteria provided. Collection method: clinical testing. Allele origin: germline. Inheritance: Autosomal recessive inheritance. Not counted in ClinVar's aggregate classification.
Comment: Likely benign based on allele frequency in 1000 Genomes Project or ESP global frequency and its presence in a patient with a rare or unrelated disease phenotype. NOT Sanger confirmed.